The following is an entry in ClinVar:

ClinVar aggregate classification (germline): Uncertain significance. Review status: criteria provided, multiple submitters, no conflicts (2 of 4 stars). 2 submissions from 2 submitters: Uncertain significance (2). Last evaluated 2025-04-12.

Conditions:
Inborn genetic diseases. Identifiers: MedGen C0950123, MeSH D030342.

gnomAD v4.1: 24 of 1,613,994 alleles (0.0015%); highest among the groups gnomAD compares: African/African-American, 0.008%; no homozygotes.

Submissions (2):

Ambry Genetics
Classification: Uncertain significance for Inborn genetic diseases. Last evaluated: 2025-04-12. Review status: criteria provided, single submitter. Criteria: Ambry Variant Classification Scheme 2023. Collection method: clinical testing. Allele origin: germline.

GeneDx
Classification: Uncertain significance. Last evaluated: 2019-07-01. Review status: criteria provided, single submitter. Criteria: GeneDx Variant Classification Process June 2021. Collection method: clinical testing. Allele origin: germline. Affected: yes.
Comment: Not observed at a significant frequency in large population cohorts (Lek et al., 2016); In silico analysis, which includes protein predictors and evolutionary conservation, supports that this variant does not alter protein structure/function; Has not been previously published as pathogenic or benign to our knowledge

NM_001206999.2(CIT):c.5383G>C (p.Glu1795Gln)

Gene: CIT (citron rho-interacting serine/threonine kinase; minus strand). Cytogenetic location: 12q24.23.
Variant type: single nucleotide variant.
Coding change: c.5383G>C on transcript NM_001206999.2 (MANE Select); coding-DNA position 5383, G replaced by C.
Protein change: p.Glu1795Gln; replaces glutamic acid 1795 with glutamine.
Molecular consequence: missense variant.
Genome position (GRCh38, 1-based): chr12:119,701,880, C>G on the plus strand (G>C on the coding strand, the complement: CIT is on the minus strand). VCF-style: chr12-119701880-C-G. GRCh37 (hg19) VCF-style: chr12-120139685-C-G.
Other names: c.5257G>C, p.Glu1753Gln (NM_007174.3); short protein forms E1753Q, E1795Q.
Identifiers: ClinVar variation 1302564 (VCV001302564.3), dbSNP rs759976682, ClinGen allele CA6820911.